The following is an entry in ClinVar:

ClinVar aggregate classification (germline): Uncertain significance. Review status: criteria provided, multiple submitters, no conflicts (2 of 4 stars). 3 submissions from 3 submitters: Uncertain significance (3). Last evaluated 2025-04-15.

Conditions:
Intellectual developmental disorder, X-linked, syndromic, Snyder-Robinson type. Also called: Spermine synthase deficiency; X-linked mental retardation Snyder - Robinson type; SNYDER-ROBINSON MENTAL RETARDATION SYNDROME; Syndromic X-linked intellectual disability Snyder type. Identifiers: Orphanet 3063, MedGen C0796160, MONDO:0010664, OMIM 309583.

Allele frequency attached by ClinVar (database versions not stated): gnomAD exomes below 0.00001 and 0.00001; gnomAD 0.00001; TOPMed 0.00001; ExAC 0.00001.
gnomAD v4.1: 5 of 1,168,264 alleles (0.00043%); highest among the groups gnomAD compares: Non-Finnish European, 0.00058%; no homozygotes.

Submissions (3):

Labcorp Genetics (formerly Invitae), Labcorp
Classification: Uncertain significance. Last evaluated: 2025-04-15. Review status: criteria provided, single submitter. Criteria: Invitae Variant Classification Sherloc (09022015). Collection method: clinical testing. Allele origin: germline.
Comment: This sequence change replaces threonine, which is neutral and polar, with lysine, which is basic and polar, at codon 291 of the SMS protein (p.Thr291Lys). This variant is present in population databases (rs755701744, gnomAD 0.001%). This missense change has been observed in individual(s) with Snyder-Robinson Syndrome (PMID: 37432431). ClinVar contains an entry for this variant (Variation ID: 931419). An algorithm developed to predict the effect of missense changes on protein structure and function (PolyPhen-2) suggests that this variant is likely to be tolerated. In summary, the available evidence is currently insufficient to determine the role of this variant in disease. Therefore, it has been classified as a Variant of Uncertain Significance.

Blueprint Genetics
Classification: Uncertain significance. Last evaluated: 2022-09-21. Review status: criteria provided, single submitter. Criteria: ACMG Guidelines, 2015. Collection method: clinical testing. Allele origin: germline.

Centre for Mendelian Genomics, University Medical Centre Ljubljana
Classification: Uncertain significance for Intellectual developmental disorder, X-linked, syndromic, Snyder-Robinson type. Last evaluated: 2016-01-01. Review status: criteria provided, single submitter. Criteria: ACMG Guidelines, 2015. Collection method: clinical testing. Allele origin: unknown. Affected: yes.
Comment: This variant was classified as: Uncertain significance. The following ACMG criteria were applied in classifying this variant: PP2,PP3. This variant was detected in hemizygous state.

Literature cited by the submitters: PubMed 37432431 (cited by Labcorp Genetics (formerly Invitae), Labcorp).

NM_004595.5(SMS):c.872C>A (p.Thr291Lys)

Gene: SMS (spermine synthase; plus strand). Cytogenetic location: Xp22.11.
Variant type: single nucleotide variant.
Coding change: c.872C>A on transcript NM_004595.5 (MANE Select); coding-DNA position 872, C replaced by A.
Protein change: p.Thr291Lys; replaces threonine 291 with lysine.
Molecular consequence: missense variant.
Genome position (GRCh38, 1-based): chrX:21,985,150, C>A. VCF-style: chrX-21985150-C-A. GRCh37 (hg19) VCF-style: chrX-22003268-C-A.
Other names: c.713C>A, p.Thr238Lys (NM_001258423.2); short protein forms T291K, T238K.
Identifiers: ClinVar variation 931419 (VCV000931419.7), dbSNP rs755701744, ClinGen allele CA10367880.